The following is an entry in ClinVar:

NM_001142800.2(EYS):c.1933G>A (p.Glu645Lys)

Gene: EYS (EGF-like photoreceptor maintenance factor; minus strand). Cytogenetic location: 6q12.
Variant type: single nucleotide variant.
Coding change: c.1933G>A on transcript NM_001142800.2 (MANE Select); coding-DNA position 1933, G replaced by A.
Protein change: p.Glu645Lys; replaces glutamic acid 645 with lysine.
Molecular consequence: missense variant.
Genome position (GRCh38, 1-based): chr6:65,295,953, C>T on the plus strand (G>A on the coding strand, the complement: EYS is on the minus strand). VCF-style: chr6-65295953-C-T. GRCh37 (hg19) VCF-style: chr6-66005846-C-T.
Other names: c.1933G>A, p.Glu645Lys (NM_001292009.2); short protein forms E645K.
Identifiers: ClinVar variation 1436693 (VCV001436693.6), dbSNP rs2150286271, ClinGen allele CA364659490.

ClinVar aggregate classification (germline): Uncertain significance (1 of 4 stars; one submission).

gnomAD v4.1: 3 of 1,551,088 alleles (0.00019%); highest among the groups gnomAD compares: African/African-American, 0.0014%; no homozygotes.

Submission:

Labcorp Genetics (formerly Invitae), Labcorp
Classification: Uncertain significance. Last evaluated: 2023-07-17. Review status: criteria provided, single submitter. Criteria: Invitae Variant Classification Sherloc (09022015). Collection method: clinical testing. Allele origin: germline.
Comment: This variant is not present in population databases (gnomAD no frequency). This sequence change replaces glutamic acid, which is acidic and polar, with lysine, which is basic and polar, at codon 645 of the EYS protein (p.Glu645Lys). In summary, the available evidence is currently insufficient to determine the role of this variant in disease. Therefore, it has been classified as a Variant of Uncertain Significance. Algorithms developed to predict the effect of missense changes on protein structure and function output the following: SIFT: "Not Available"; PolyPhen-2: "Benign"; Align-GVGD: "Not Available". The lysine amino acid residue is found in multiple mammalian species, which suggests that this missense change does not adversely affect protein function. This variant has not been reported in the literature in individuals affected with EYS-related conditions. ClinVar contains an entry for this variant (Variation ID: 1436693).